The following is an entry in ClinVar:

NM_001040142.2(SCN2A):c.399G>A (p.Met133Ile)

Gene: SCN2A (sodium voltage-gated channel alpha subunit 2; plus strand). Cytogenetic location: 2q24.3.
Variant type: single nucleotide variant.
Coding change: c.399G>A on transcript NM_001040142.2 (MANE Select); coding-DNA position 399, G replaced by A.
Protein change: p.Met133Ile; replaces methionine 133 with isoleucine.
Molecular consequence: missense variant.
Genome position (GRCh38, 1-based): chr2:165,307,860, G>A. VCF-style: chr2-165307860-G-A. GRCh37 (hg19) VCF-style: chr2-166164370-G-A.
Other names: c.399G>A, p.Met133Ile (NM_001040143.2, NM_001371246.1, NM_001371247.1 and 1 more transcripts); short protein forms M133I.
Identifiers: ClinVar variation 1716813 (VCV001716813.6), dbSNP rs2105241303, ClinGen allele CA349014878.
Genomic context (GRCh38, chr2:165,307,860, plus strand): 5'-AAAGTAAGATTTTTCCATTGAACTTTGTCTTCCTTGACGATATTCTACTTTATTCAATAT[G>A]CTCATTATGTGCACGATTCTTACCAACTGTGTATTTATGACCATGAGTAACCCTCCAGAC-3'
Protein context (NP_001035232.1, residues 123-143): IKILVHSLFN[Met133Ile]LIMCTILTNC

ClinVar aggregate classification (germline): Uncertain significance (1 of 4 stars; one submission).

Conditions:
Seizures, benign familial infantile, 3 (BFIS3). Also called: CONVULSIONS, BENIGN FAMILIAL INFANTILE, 3; Familial neonatal seizures. Identifiers: Orphanet 140927, Orphanet 306, MedGen C1843140, MONDO:0011904, OMIM 607745.
Developmental and epileptic encephalopathy, 11 (DEE11). Also called: Early infantile epileptic encephalopathy 11. Identifiers: Orphanet 1934, MedGen C3150987, MONDO:0013388, OMIM 613721.

Submission:

Labcorp Genetics (formerly Invitae), Labcorp
Classification: Uncertain significance for Seizures, benign familial infantile, 3; Developmental and epileptic encephalopathy, 11. Last evaluated: 2022-08-19. Review status: criteria provided, single submitter. Criteria: Invitae Variant Classification Sherloc (09022015). Collection method: clinical testing. Allele origin: germline.
Comment: This sequence change replaces methionine, which is neutral and non-polar, with isoleucine, which is neutral and non-polar, at codon 133 of the SCN2A protein (p.Met133Ile). This variant is not present in population databases (gnomAD no frequency). This variant has not been reported in the literature in individuals affected with SCN2A-related conditions. Algorithms developed to predict the effect of missense changes on protein structure and function (SIFT, PolyPhen-2, Align-GVGD) all suggest that this variant is likely to be tolerated. In summary, the available evidence is currently insufficient to determine the role of this variant in disease. Therefore, it has been classified as a Variant of Uncertain Significance.